The following is an entry in ClinVar:

ClinVar aggregate classification (germline): Likely pathogenic (1 of 4 stars; one submission).

Allele frequency attached by ClinVar (database versions not stated): gnomAD exomes below 0.00001.
gnomAD v4.1: 1 of 1,613,582 alleles (0.000062%); highest among the groups gnomAD compares: Non-Finnish European, 0.000085%; no homozygotes.

Submission:

Labcorp Genetics (formerly Invitae), Labcorp
Classification: Likely pathogenic. Last evaluated: 2023-03-07. Review status: criteria provided, single submitter. Criteria: Invitae Variant Classification Sherloc (09022015). Collection method: clinical testing. Allele origin: germline.
Comment: This variant is not present in population databases (gnomAD no frequency). This sequence change affects a donor splice site in intron 15 of the RAB3GAP1 gene. It is expected to disrupt RNA splicing. Variants that disrupt the donor or acceptor splice site typically lead to a loss of protein function (PMID: 16199547), and loss-of-function variants in RAB3GAP1 are known to be pathogenic (PMID: 23420520). This variant has not been reported in the literature in individuals affected with RAB3GAP1-related conditions. Algorithms developed to predict the effect of sequence changes on RNA splicing suggest that this variant may disrupt the consensus splice site. In summary, the currently available evidence indicates that the variant is pathogenic, but additional data are needed to prove that conclusively. Therefore, this variant has been classified as Likely Pathogenic.

Literature cited by the submitters: PubMed 16199547; PubMed 23420520.

NM_012233.3(RAB3GAP1):c.1499+1G>T

Gene: RAB3GAP1 (RAB3 GTPase activating protein catalytic subunit 1; plus strand). Cytogenetic location: 2q21.3.
Variant type: single nucleotide variant.
Coding change: c.1499+1G>T on transcript NM_012233.3 (MANE Select); the canonical splice donor site of the intron after coding-DNA position 1499, G replaced by T.
Molecular consequence: splice donor variant.
Genome position (GRCh38, 1-based): chr2:135,134,034, G>T. VCF-style: chr2-135134034-G-T. GRCh37 (hg19) VCF-style: chr2-135891604-G-T.
Other names: c.1499+1G>T (NM_001172435.2).
Identifiers: ClinVar variation 2843629 (VCV002843629.3), dbSNP rs2468221393, ClinGen allele CA348576180.
Genomic context (GRCh38, chr2:135,134,034, plus strand): 5'-CTGGCAGGAATTTGTTCTTGAAATGCGTTTCCGATGGGAAAACAACTTTCTGATTCCAGG[G>T]TAATAATTTCAATTTTCAATTGTTTGGATACGATTTTGTTTGTTAGCAGACATTTGACTT-3'